The following is an entry in ClinVar:

NM_000719.7(CACNA1C):c.4942G>A (p.Ala1648Thr)

Genes: CACNA1C (calcium voltage-gated channel subunit alpha1 C; plus strand), CACNA1C-AS1 (CACNA1C antisense RNA 1; minus strand). Cytogenetic location: 12p13.33.
Variant type: single nucleotide variant.
Coding change: c.4942G>A on transcript NM_000719.7 (MANE Select); coding-DNA position 4942, G replaced by A.
Protein change: p.Ala1648Thr; replaces alanine 1648 with threonine.
Molecular consequence: missense variant. On other transcripts: non-coding transcript variant (1).
Genome position (GRCh38, 1-based): chr12:2,677,207, G>A. VCF-style: chr12-2677207-G-A. GRCh37 (hg19) VCF-style: chr12-2786373-G-A.
Other names: c.5086G>A, p.Ala1696Thr (NM_001129827.2, NM_199460.4); c.5065G>A, p.Ala1689Thr (NM_001129829.2); c.4942G>A, p.Ala1648Thr (NM_001129830.3, NM_001129842.2, NM_001129843.2 and 4 more transcripts); c.5026G>A, p.Ala1676Thr (NM_001129831.2); c.5002G>A, p.Ala1668Thr (NM_001129832.2); c.4999G>A, p.Ala1667Thr (NM_001129833.2, NM_001129834.2, NM_001129835.2); c.4993G>A, p.Ala1665Thr (NM_001129836.2); c.4966G>A, p.Ala1656Thr (NM_001129837.2, NM_001129838.2); and 4 more; short protein forms A1648T, A1696T, A1654T, A1665T, A1676T, A1689T, A1645T, A1656T.
Identifiers: ClinVar variation 197406 (VCV000197406.55), dbSNP rs370432385, ClinGen allele CA245512.

ClinVar aggregate classification (germline): Conflicting classifications of pathogenicity. Review status: criteria provided, conflicting classifications (1 of 4 stars). 8 submissions from 8 submitters: Uncertain significance (6); Benign (1); Likely benign (1). Last evaluated 2026-01-16.

Conditions:
Timothy syndrome (TS). Also called: LONG QT SYNDROME WITH SYNDACTYLY. Identifiers: Orphanet 65283, MedGen C1832916, MeSH C536962, MONDO:0010979, OMIM 601005.
Short QT syndrome. Also called: Familial short QT syndrome. Identifiers: Orphanet 51083, MedGen C2348199, MONDO:0000453.
Cardiovascular phenotype. Identifiers: MedGen CN230736.
Long QT syndrome (LQTS). Identifiers: MedGen C0023976, MeSH D008133, MONDO:0002442. Disease mechanism: loss of function. Inheritance: Various modes of inheritance.

Allele frequency attached by ClinVar (database versions not stated): gnomAD exomes 0.00007; TOPMed 0.00007; ESP Exome Variant Server 0.00008; ExAC 0.00009; gnomAD 0.00011.
gnomAD v4.1: 98 of 1,613,592 alleles (0.0061%); highest among the groups gnomAD compares: Middle Eastern, 0.016%; no homozygotes.

Submissions (8):

Labcorp Genetics (formerly Invitae), Labcorp
Classification: Likely benign for Long QT syndrome. Last evaluated: 2026-01-16. Review status: criteria provided, single submitter. Criteria: Invitae Variant Classification Sherloc (09022015). Collection method: clinical testing. Allele origin: germline.

Molecular Diagnostic Laboratory for Inherited Cardiovascular Disease, Montreal Heart Institute
Classification: Uncertain significance for Cardiovascular phenotype. Last evaluated: 2025-04-09. Review status: criteria provided, single submitter. Criteria: ACMG Guidelines, 2015. Collection method: clinical testing. Allele origin: germline. Affected: yes.

Ambry Genetics
Classification: Benign for Cardiovascular phenotype. Last evaluated: 2024-12-20. Review status: criteria provided, single submitter. Criteria: Ambry Variant Classification Scheme 2023. Collection method: clinical testing. Allele origin: germline.

Blueprint Genetics
Classification: Uncertain significance. Last evaluated: 2024-04-23. Review status: criteria provided, single submitter. Criteria: ACMG Guidelines, 2015. Collection method: clinical testing. Allele origin: germline.

GeneDx
Classification: Uncertain significance. Last evaluated: 2024-01-24. Review status: criteria provided, single submitter. Criteria: GeneDx Variant Classification Process June 2021. Collection method: clinical testing. Allele origin: germline. Affected: yes.
Comment: Reported in probands with a history of sudden death (PMID: 27930701, 30279520) and in patient referred for a suspected arrhythmogenic disorder (PMID: 31737537); also described as p.(A1696T) due to the use of an alternate transcript; In silico analysis supports that this missense variant does not alter protein structure/function; Published functional studies in HEK293 cells suggest that this variant causes a dramatic reduction in current density (PMID: 34999275); This variant is associated with the following publications: (PMID: 30279520, 31737537, 27930701, 34999275)

CeGaT Center for Human Genetics Tuebingen
Classification: Uncertain significance. Last evaluated: 2023-08-01. Review status: criteria provided, single submitter. Criteria: CeGaT Center For Human Genetics Tuebingen Variant Classification Criteria Version 2. Collection method: clinical testing. Allele origin: germline. Affected: yes. Observed: 1 variant allele.
Comment: CACNA1C: PP2

MVZ Martinsried, Medicover Genetics
Classification: Uncertain significance for Timothy syndrome. Last evaluated: 2017-04-13. Review status: criteria provided, single submitter. Criteria: ACMG Guidelines, 2015. Collection method: clinical testing. Allele origin: unknown. Affected: yes.

Eurofins Ntd Llc (ga)
Classification: Uncertain significance. Last evaluated: 2014-11-18. Review status: criteria provided, single submitter. Criteria: EGL Classification Definitions 2015. Collection method: clinical testing. Allele origin: germline. Observed: 2 variant alleles, 2 heterozygotes.

Literature cited by the submitters: PubMed 27930701 (cited by Ambry Genetics); PubMed 30279520 (cited by Ambry Genetics); PubMed 34999275 (cited by Ambry Genetics).